The following is an entry in ClinVar:

NM_000487.6(ARSA):c.215C>T (p.Thr72Ile)

Gene: ARSA (arylsulfatase A; minus strand). Cytogenetic location: 22q13.33.
Variant type: single nucleotide variant.
Coding change: c.215C>T on transcript NM_000487.6 (MANE Select); coding-DNA position 215, C replaced by T.
Protein change: p.Thr72Ile; replaces threonine 72 with isoleucine.
Molecular consequence: missense variant. On other transcripts: intron variant (2).
Genome position (GRCh38, 1-based): chr22:50,627,565, G>A on the plus strand (C>T on the coding strand, the complement: ARSA is on the minus strand). VCF-style: chr22-50627565-G-A. GRCh37 (hg19) VCF-style: chr22-51065993-G-A.
Other names: c.215C>T, p.Thr72Ile (NM_001085425.3, NM_001085426.3, NM_001085427.3); c.-34-159C>T (NM_001362782.2, NM_001085428.3); short protein forms T72I.
Identifiers: ClinVar variation 4813560 (VCV004813560.2).

ClinVar aggregate classification (germline): Uncertain significance. Review status: criteria provided, multiple submitters, no conflicts (2 of 4 stars). 2 submissions from 2 submitters: Uncertain significance (2). Last evaluated 2026-03-05.

Conditions:
Metachromatic leukodystrophy (MLD). Also called: Cerebral sclerosis diffuse metachromatic form; ARSA DEFICIENCY; CEREBROSIDE SULFATASE DEFICIENCY; Arylsulfatase A Deficiency; METACHROMATIC LEUKOENCEPHALOPATHY; SULFATIDE LIPIDOSIS. Identifiers: Orphanet 512, MedGen C0023522, MONDO:0018868, OMIM 250100.

Submissions (2):

Mendelics
Classification: Uncertain significance for Metachromatic leukodystrophy. Last evaluated: 2026-03-05. Review status: criteria provided, single submitter. Criteria: ACMG Guidelines, 2015. Collection method: clinical testing. Allele origin: unknown.
Comment: The available evidence is insufficient to conclusively determine the role of this variant. Therefore, it is classified as a Variant of Uncertain Significance.

3billion
Classification: Uncertain significance for Metachromatic leukodystrophy. Last evaluated: 2025-07-28. Review status: criteria provided, single submitter. Criteria: ACMG Guidelines, 2015. Collection method: clinical testing. Allele origin: germline. Affected: yes.
Comment: The variant is not observed in the gnomAD v4.1.0 dataset. Predicted Consequence/Location: Missense variant In silico tool predictions suggest damaging effect of the variant on gene or gene product [REVEL: 0.82 (>=0.6, sensitivity 0.68 and specificity 0.92); 3Cnet: 0.99 (> 0.75, sensitivity 0.96 and precision 0.92)]. Therefore, this variant is classified as VUS according to the recommendation of ACMG/AMP guideline.